The following is an entry in ClinVar:

NM_001814.6(CTSC):c.930C>G (p.Tyr310Ter)

Gene: CTSC (cathepsin C; minus strand). Cytogenetic location: 11q14.2.
Variant type: single nucleotide variant.
Coding change: c.930C>G on transcript NM_001814.6 (MANE Select); coding-DNA position 930, C replaced by G.
Protein change: p.Tyr310Ter; replaces tyrosine 310 with a stop codon.
Molecular consequence: nonsense.
Genome position (GRCh38, 1-based): chr11:88,294,468, G>C on the plus strand (C>G on the coding strand, the complement: CTSC is on the minus strand). VCF-style: chr11-88294468-G-C. GRCh37 (hg19) VCF-style: chr11-88027636-G-C.
Other names: short protein forms Y310*.
Identifiers: ClinVar variation 2950239 (VCV002950239.3), dbSNP rs148742372, ClinGen allele CA382022256.
Genomic context (GRCh38, chr11:88,294,468, plus strand): 5'-TGGAGAATCAGTGCCTGTGTAGGGGAAGCAAGCTTCTTCCACCAGCCCAAAATCTTGGGC[G>C]TACTTTCCTGCAATAAGGTATGGGAAGCCGCCTTCACAGCCTGAAGATGAATAACACACA-3'

ClinVar aggregate classification (germline): Pathogenic (1 of 4 stars; one submission).

Conditions:
Periodontitis, aggressive. Identifiers: MedGen C0031106, MONDO:0980757.
Papillon-Lefèvre syndrome (PALS). Also called: KERATOSIS PALMOPLANTARIS WITH PERIODONTOPATHIA; Papillon-Lefevre Disease. Identifiers: Orphanet 678, MedGen C0030360, MONDO:0009490, OMIM 245000.
Haim-Munk syndrome (HMS). Also called: COCHIN JEWISH DISORDER; KERATOSIS PALMOPLANTARIS WITH PERIODONTOPATHIA AND ONYCHOGRYPOSIS. Identifiers: Orphanet 2342, MedGen C1855627, MONDO:0009491, OMIM 245010.

gnomAD v4.1: 1 of 1,614,006 alleles (0.000062%); highest among the groups gnomAD compares: African/African-American, 0.0013%; no homozygotes.

Submission:

Labcorp Genetics (formerly Invitae), Labcorp
Classification: Pathogenic for Haim-Munk syndrome; Periodontitis, aggressive; Papillon-Lefèvre syndrome. Last evaluated: 2023-07-25. Review status: criteria provided, single submitter. Criteria: Invitae Variant Classification Sherloc (09022015). Collection method: clinical testing. Allele origin: germline.
Comment: For these reasons, this variant has been classified as Pathogenic. This variant disrupts a region of the CTSC protein in which other variant(s) (p.Trp429*) have been determined to be pathogenic (PMID: 10593994, 28242153, 29410039). This suggests that this is a clinically significant region of the protein, and that variants that disrupt it are likely to be disease-causing. This variant has not been reported in the literature in individuals affected with CTSC-related conditions. This variant is not present in population databases (gnomAD no frequency). This sequence change creates a premature translational stop signal (p.Tyr310*) in the CTSC gene. While this is not anticipated to result in nonsense mediated decay, it is expected to disrupt the last 154 amino acid(s) of the CTSC protein.

Literature cited by the submitters: PubMed 10593994; PubMed 28242153; PubMed 29410039.